The following is an entry in ClinVar:

NM_001143986.2(TLE6):c.741-1G>C

Gene: TLE6 (TLE family member 6, subcortical maternal complex member; plus strand). Cytogenetic location: 19p13.3.
Variant type: single nucleotide variant.
Coding change: c.741-1G>C on transcript NM_001143986.2 (MANE Select); the canonical splice acceptor site of the intron before coding-DNA position 741, G replaced by C.
Molecular consequence: splice acceptor variant.
Genome position (GRCh38, 1-based): chr19:2,989,060, G>C. VCF-style: chr19-2989060-G-C. GRCh37 (hg19) VCF-style: chr19-2989058-G-C.
Other names: c.372-1G>C (NM_024760.3).
Identifiers: ClinVar variation 2064539 (VCV002064539.1), dbSNP rs994749504, ClinGen allele CA304298616.

ClinVar aggregate classification (germline): Likely pathogenic (1 of 4 stars; one submission).

Allele frequency attached by ClinVar (database versions not stated): gnomAD 0.00001; gnomAD exomes 0.00001; TOPMed 0.00001.
gnomAD v4.1: 4 of 1,611,488 alleles (0.00025%); highest among the groups gnomAD compares: Non-Finnish European, 0.00034%; no homozygotes.

Submission:

Labcorp Genetics (formerly Invitae), Labcorp
Classification: Likely pathogenic. Last evaluated: 2022-07-05. Review status: criteria provided, single submitter. Criteria: Invitae Variant Classification Sherloc (09022015). Collection method: clinical testing. Allele origin: germline.
Comment: This sequence change affects an acceptor splice site in intron 11 of the TLE6 gene. It is expected to disrupt RNA splicing. Variants that disrupt the donor or acceptor splice site typically lead to a loss of protein function (PMID: 16199547), and loss-of-function variants in TLE6 are known to be pathogenic (PMID: 26537248, 29606347, 32172300). This variant is present in population databases (no rsID available, gnomAD 0.0009%). This variant has not been reported in the literature in individuals affected with TLE6-related conditions. Algorithms developed to predict the effect of sequence changes on RNA splicing suggest that this variant may disrupt the consensus splice site. In summary, the currently available evidence indicates that the variant is pathogenic, but additional data are needed to prove that conclusively. Therefore, this variant has been classified as Likely Pathogenic.

Literature cited by the submitters: PubMed 16199547; PubMed 26537248; PubMed 29606347; PubMed 32172300.